The following is an entry in ClinVar:

ClinVar aggregate classification (germline): Uncertain significance (1 of 4 stars; one submission).

Conditions:
Hereditary cancer-predisposing syndrome. Also called: Tumor predisposition; Hereditary neoplastic syndrome; Neoplastic Syndromes, Hereditary; Hereditary Cancer Syndrome. Identifiers: Orphanet 140162, MedGen C0027672, MeSH D009386, MONDO:0015356.

Submission:

Ambry Genetics
Classification: Uncertain significance for Hereditary cancer-predisposing syndrome. Last evaluated: 2025-05-06. Review status: criteria provided, single submitter. Criteria: Ambry Variant Classification Scheme 2023. Collection method: clinical testing. Allele origin: germline.
Comment: The p.A1903V variant (also known as c.5708C>T), located in coding exon 26 of the DICER1 gene, results from a C to T substitution at nucleotide position 5708. The alanine at codon 1903 is replaced by valine, an amino acid with similar properties. This amino acid position is conserved. In addition, the in silico prediction for this alteration is inconclusive. Based on the available evidence, the clinical significance of this variant remains unclear.

NM_177438.3(DICER1):c.5708C>T (p.Ala1903Val)

Gene: DICER1 (dicer 1, ribonuclease III; minus strand). Cytogenetic location: 14q32.13.
Variant type: single nucleotide variant.
Coding change: c.5708C>T on transcript NM_177438.3 (MANE Select); coding-DNA position 5708, C replaced by T.
Protein change: p.Ala1903Val; replaces alanine 1903 with valine.
Molecular consequence: missense variant. On other transcripts: 3 prime UTR variant (1), non-coding transcript variant (6).
Genome position (GRCh38, 1-based): chr14:95,090,559, G>A on the plus strand (C>T on the coding strand, the complement: DICER1 is on the minus strand). VCF-style: chr14-95090559-G-A. GRCh37 (hg19) VCF-style: chr14-95556896-G-A.
Other names: c.*55C>T (NM_001195573.1); c.5708C>T, p.Ala1903Val (NM_001271282.3, NM_001291628.2, NM_001395677.1 and 7 more transcripts); c.5426C>T, p.Ala1809Val (NM_001395686.1); c.5303C>T, p.Ala1768Val (NM_001395687.1, NM_001395688.1, NM_001395689.1 and 1 more transcripts); c.5141C>T, p.Ala1714Val (NM_001395691.1); c.4025C>T, p.Ala1342Val (NM_001395697.1); short protein forms A1342V, A1768V, A1714V, A1809V, A1903V.
Identifiers: ClinVar variation 4011652 (VCV004011652.1).
Genomic context (GRCh38, chr14:95,090,559, plus strand): 5'-CAGCTATTGGGAACCTGAGGTTGATTAGCTTTGAGGCTTCGGAGGGCTCTTCTTGCTGCT[G>A]CAGATTTGGCAATCCTGTAACTTCGACCAACACCTTTAAATTTCCCCTTTCCTACTACTT-3'
Protein context (NP_803187.1, residues 1893-1913): VGRSYRIAKS[Ala1903Val]AARRALRSLK